The following is an entry in ClinVar:

ClinVar aggregate classification (germline): Uncertain significance. Review status: criteria provided, multiple submitters, no conflicts (2 of 4 stars). 5 submissions from 5 submitters: Uncertain significance (4). 1 of the submissions does not count toward it. Last evaluated 2025-11-11.

Conditions:
BRIP1-related disorder. Also called: BRIP1-related condition; BRIP1-related disorders. Identifiers: MedGen CN239206.
Fanconi anemia complementation group J. Also called: BRIP1-Related Fanconi Anemia. Identifiers: Orphanet 84, MedGen C1836860, MONDO:0012187, OMIM 609054.
Familial cancer of breast. Also called: BREAST CANCER, FAMILIAL; Hereditary breast cancer; hereditary breast carcinoma. Identifiers: Orphanet 227535, MedGen C0346153, MONDO:0016419, OMIM 114480. Disease mechanism: loss of function.
Hereditary cancer-predisposing syndrome. Also called: Hereditary neoplastic syndrome; Neoplastic Syndromes, Hereditary; Tumor predisposition; Hereditary Cancer Syndrome. Identifiers: Orphanet 140162, MedGen C0027672, MeSH D009386, MONDO:0015356.

gnomAD v4.1: 3 of 1,609,072 alleles (0.00019%); highest among the groups gnomAD compares: Non-Finnish European, 0.00026%; no homozygotes.

Submissions (5):

Labcorp Genetics (formerly Invitae), Labcorp
Classification: Uncertain significance for Familial cancer of breast; Fanconi anemia complementation group J. Last evaluated: 2025-11-11. Review status: criteria provided, single submitter. Criteria: Invitae Variant Classification Sherloc (09022015). Collection method: clinical testing. Allele origin: germline.
Comment: This sequence change replaces serine, which is neutral and polar, with asparagine, which is neutral and polar, at codon 380 of the BRIP1 protein (p.Ser380Asn). This variant is present in population databases (rs569696977, gnomAD 0.0009%). This variant has not been reported in the literature in individuals affected with BRIP1-related conditions. ClinVar contains an entry for this variant (Variation ID: 481655). Invitae Evidence Modeling of protein sequence and biophysical properties (such as structural, functional, and spatial information, amino acid conservation, physicochemical variation, residue mobility, and thermodynamic stability) indicates that this missense variant is not expected to disrupt BRIP1 protein function with a negative predictive value of 95%. In summary, the available evidence is currently insufficient to determine the role of this variant in disease. Therefore, it has been classified as a Variant of Uncertain Significance.

Ambry Genetics
Classification: Uncertain significance for Hereditary cancer-predisposing syndrome. Last evaluated: 2025-05-24. Review status: criteria provided, single submitter. Criteria: Ambry Variant Classification Scheme 2023. Collection method: clinical testing. Allele origin: germline.
Comment: The p.S380N variant (also known as c.1139G>A), located in coding exon 7 of the BRIP1 gene, results from a G to A substitution at nucleotide position 1139. The serine at codon 380 is replaced by asparagine, an amino acid with highly similar properties. This amino acid position is well conserved in available vertebrate species. In addition, this alteration is predicted to be tolerated by in silico analysis. Since supporting evidence is limited at this time, the clinical significance of this alteration remains unclear.

Women's Health and Genetics/Laboratory Corporation of America, LabCorp
Classification: Uncertain significance. Last evaluated: 2024-10-31. Review status: criteria provided, single submitter. Criteria: LabCorp Variant Classification Summary - May 2015. Collection method: clinical testing. Allele origin: germline.
Comment: Variant summary: BRIP1 c.1139G>A (p.Ser380Asn) results in a conservative amino acid change located in the Helicase-like, DEXD box c2 type domain (IPR006554) of the encoded protein sequence. Three of five in-silico tools predict a benign effect of the variant on protein function. Consensus agreement among computation tools predict no significant impact on normal splicing. However, these predictions have yet to be confirmed by functional studies. The variant allele was found at a frequency of 4e-06 in 251206 control chromosomes (gnomAD). The available data on variant occurrences in the general population are insufficient to allow any conclusion about variant significance. c.1139G>A has been reported in the literature in individuals affected with ovarian cancer (Zhang_2023). The report does not provide unequivocal conclusions about association of the variant with Breast Cancer. To our knowledge, no experimental evidence demonstrating an impact on protein function has been reported. The following publications have been ascertained in the context of this evaluation (PMID: 29368626, 37160887). ClinVar contains an entry for this variant (Variation ID: 481655). Based on the evidence outlined above, the variant was classified as uncertain significance.

Color Diagnostics, LLC DBA Color Health
Classification: Uncertain significance for Hereditary cancer-predisposing syndrome. Last evaluated: 2019-12-12. Review status: criteria provided, single submitter. Criteria: ACMG Guidelines, 2015. Collection method: clinical testing. Allele origin: germline.
Comment: This missense variant replaces serine with asparagine at codon 380 of the BRIP1 protein. Computational prediction suggests that this variant may not impact protein structure and function (internally defined REVEL score threshold <= 0.5, PMID: 27666373). Splice site prediction tools suggest that this variant may not impact RNA splicing. To our knowledge, functional studies have not been performed for this variant. This variant has not been reported in individuals affected with hereditary cancer in the literature. This variant has been identified in 1/251206 chromosomes in the general population by the Genome Aggregation Database (gnomAD). The available evidence is insufficient to determine the role of this variant in disease conclusively. Therefore, this variant is classified as a Variant of Uncertain Significance.

PreventionGenetics, part of Exact Sciences
Classification: Uncertain significance for BRIP1-related condition. Last evaluated: 2024-08-25. Review status: no assertion criteria provided. Collection method: clinical testing. Allele origin: germline. Not counted in ClinVar's aggregate classification.
Comment: The BRIP1 c.1139G>A variant is predicted to result in the amino acid substitution p.Ser380Asn. To our knowledge, this variant has not been reported in the literature. This variant is reported in 0.00088% of alleles in individuals of European (Non-Finnish) descent in gnomAD and has been classified as a variant of uncertain significance in ClinVar. At this time, the clinical significance of this variant is uncertain due to the absence of conclusive functional and genetic evidence.

Literature cited by the submitters: PubMed 29368626 (cited by Women's Health and Genetics/Laboratory Corporation of America, LabCorp); PubMed 37160887 (cited by Women's Health and Genetics/Laboratory Corporation of America, LabCorp).

NM_032043.3(BRIP1):c.1139G>A (p.Ser380Asn)

Gene: BRIP1 (BRCA1 interacting DNA helicase 1; minus strand). Cytogenetic location: 17q23.2.
Variant type: single nucleotide variant.
Coding change: c.1139G>A on transcript NM_032043.3 (MANE Select); coding-DNA position 1139, G replaced by A.
Protein change: p.Ser380Asn; replaces serine 380 with asparagine.
Molecular consequence: missense variant.
Genome position (GRCh38, 1-based): chr17:61,801,254, C>T on the plus strand (G>A on the coding strand, the complement: BRIP1 is on the minus strand). VCF-style: chr17-61801254-C-T. GRCh37 (hg19) VCF-style: chr17-59878615-C-T.
Other names: short protein forms S380N.
Identifiers: ClinVar variation 481655 (VCV000481655.21), dbSNP rs569696977, ClinGen allele CA8690799.